The following is an entry in ClinVar:

NM_017649.5(CNNM2):c.2315C>T (p.Thr772Ile)

Gene: CNNM2 (cyclin and CBS domain divalent metal cation transport mediator 2; plus strand). Cytogenetic location: 10q24.32.
Variant type: single nucleotide variant.
Coding change: c.2315C>T on transcript NM_017649.5 (MANE Select); coding-DNA position 2315, C replaced by T.
Protein change: p.Thr772Ile; replaces threonine 772 with isoleucine.
Molecular consequence: missense variant.
Genome position (GRCh38, 1-based): chr10:103,076,167, C>T. VCF-style: chr10-103076167-C-T. GRCh37 (hg19) VCF-style: chr10-104835924-C-T.
Other names: c.2249C>T, p.Thr750Ile (NM_199076.3); short protein forms T750I, T772I.
Identifiers: ClinVar variation 3668463 (VCV003668463.2).
Genomic context (GRCh38, chr10:103,076,167, plus strand): 5'-GCCCATGTGGCTTGAATCACTCAGACTCTCTCAGTCGAAGCGACCGGATTGACGCCGTCA[C>T]ACCAACACTGGGGAGCAGCAATAACCAGCTCAATTCTTCGCTCCTCCAAGTCTACATCCC-3'
Protein context (NP_060119.3, residues 762-782): LSRSDRIDAV[Thr772Ile]PTLGSSNNQL

ClinVar aggregate classification (germline): Uncertain significance (1 of 4 stars; one submission).

gnomAD v4.1: 2 of 1,606,842 alleles (0.00012%); highest among the groups gnomAD compares: Non-Finnish European, 0.00017%; no homozygotes.

Submission:

Labcorp Genetics (formerly Invitae), Labcorp
Classification: Uncertain significance. Last evaluated: 2024-06-21. Review status: criteria provided, single submitter. Criteria: Invitae Variant Classification Sherloc (09022015). Collection method: clinical testing. Allele origin: germline.
Comment: This sequence change replaces threonine, which is neutral and polar, with isoleucine, which is neutral and non-polar, at codon 772 of the CNNM2 protein (p.Thr772Ile). This variant is not present in population databases (gnomAD no frequency). This variant has not been reported in the literature in individuals affected with CNNM2-related conditions. An algorithm developed to predict the effect of missense changes on protein structure and function (PolyPhen-2) suggests that this variant is likely to be tolerated. In summary, the available evidence is currently insufficient to determine the role of this variant in disease. Therefore, it has been classified as a Variant of Uncertain Significance.